The following is an entry in ClinVar:

NM_002382.5(MAX):c.296-1G>T

Gene: MAX (MYC associated transcriptional regulator X; minus strand). Cytogenetic location: 14q23.3.
Variant type: single nucleotide variant.
Coding change: c.296-1G>T on transcript NM_002382.5 (MANE Select); the canonical splice acceptor site of the intron before coding-DNA position 296, G replaced by T.
Molecular consequence: splice acceptor variant. On other transcripts: intron variant (2).
Genome position (GRCh38, 1-based): chr14:65,076,664, C>A on the plus strand (G>T on the coding strand, the complement: MAX is on the minus strand). VCF-style: chr14-65076664-C-A. GRCh37 (hg19) VCF-style: chr14-65543382-C-A.
Other names: NC_000014.8:g.65543382C>A; c.144+17044G>T (NM_001271069.2); c.171+17044G>T (NM_197957.4); c.95-1G>T (NM_001407112.1, NM_001407111.1); c.107-1G>T (NM_001407106.1, NM_001407107.1, NM_001320415.2 and 1 more transcripts); c.269-1G>T (NM_001407095.1, NM_145112.3); c.*85-1G>T (NM_001407110.1, NM_001407101.1, NM_001407103.1 and 4 more transcripts); c.*69-1G>T (NM_001407102.1, NM_001407104.1, NM_001407108.1 and 2 more transcripts); and 2 more.
Identifiers: ClinVar variation 1692653 (VCV001692653.2), dbSNP rs1555340265, ClinGen allele CA390032066.

ClinVar aggregate classification (germline): Likely pathogenic (1 of 4 stars; one submission).

Conditions:
Hereditary cancer-predisposing syndrome. Also called: Hereditary Cancer Syndrome; Hereditary neoplastic syndrome; Neoplastic Syndromes, Hereditary; Tumor predisposition. Identifiers: Orphanet 140162, MedGen C0027672, MeSH D009386, MONDO:0015356.

Submissions (2):

Sema4
Classification: Likely pathogenic for Hereditary cancer-predisposing syndrome. Last evaluated: 2021-12-01. Review status: criteria provided, single submitter. Criteria: Sema4 Curation Guidelines. Collection method: curation. Allele origin: germline.
Comment: The MAX c.296-1G>T variant has been reported in heterozygosity in at least 1 individual with prolactinoma (PMID: 29264463). This variant is not predicted to cause nonsense-mediated decay and is predicted to abolish the canonical splice site, leading to an abnormal protein. Experimental studies have shown that the C-terminal domain of the protein is necessary for protein localization to the nucleus and suppression of MYC transactivation (PMID: 1459463, 1730412, 7630640). This variant is not reported in the Genome Aggregation Database (PMID: 32461654). This variant has not been reported in ClinVar. Based on the current evidence available, this variant is interpreted as likely pathogenic.

Dr. Peter K. Rogan Lab, Western University
No classification provided (evidence only). Condition: Ovarian serous cystadenocarcinoma. Review status: no classification provided. Collection method: in vitro. Allele origin: not applicable. Functional consequence: retained intron. Not counted in ClinVar's aggregate classification.

Literature cited by the submitters: PubMed 29264463 (cited by Sema4); PubMed 1459463 (cited by Sema4); PubMed 1730412 (cited by Sema4); PubMed 7630640 (cited by Sema4).